The following is an entry in ClinVar:

ClinVar aggregate classification (germline): Uncertain significance (1 of 4 stars; one submission).

Allele frequency attached by ClinVar (database versions not stated): gnomAD 0.00001; gnomAD exomes 0.00001; TOPMed 0.00001.

Submission:

Women's Health and Genetics/Laboratory Corporation of America, LabCorp
Classification: Uncertain significance. Last evaluated: 2024-02-28. Review status: criteria provided, single submitter. Criteria: LabCorp Variant Classification Summary - May 2015. Collection method: clinical testing. Allele origin: germline.
Comment: Variant summary: FTL c.47C>T (p.Ala16Val) results in a non-conservative amino acid change located in the Ferritin-like diiron domain (IPR009040) of the encoded protein sequence. Three of five in-silico tools predict a benign effect of the variant on protein function. The variant allele was found at a frequency of 8e-06 in 251466 control chromosomes. The available data on variant occurrences in the general population are insufficient to allow any conclusion about variant significance. To our knowledge, no occurrence of c.47C>T in individuals affected with L-Ferritin Deficiency and no experimental evidence demonstrating its impact on protein function have been reported. No submitters have cited clinical-significance assessments for this variant to ClinVar. Based on the evidence outlined above, the variant was classified as uncertain significance.

NM_000146.4(FTL):c.47C>T (p.Ala16Val)

Genes: FTL (ferritin light chain; plus strand), LOC130064892 (ATAC-STARR-seq lymphoblastoid active region 14919; plus strand). Cytogenetic location: 19q13.33.
Variant type: single nucleotide variant.
Coding change: c.47C>T on transcript NM_000146.4 (MANE Select); coding-DNA position 47, C replaced by T.
Protein change: p.Ala16Val; replaces alanine 16 with valine.
Molecular consequence: missense variant.
Genome position (GRCh38, 1-based): chr19:48,965,554, C>T. VCF-style: chr19-48965554-C-T. GRCh37 (hg19) VCF-style: chr19-49468811-C-T.
Other names: short protein forms A16V.
Identifiers: ClinVar variation 3068840 (VCV003068840.2), dbSNP rs1310208452, ClinGen allele CA406755645.